The following is an entry in ClinVar:

NM_000551.4(VHL):c.585G>C (p.Gln195His)

Genes: VHL (von Hippel-Lindau tumor suppressor; plus strand), LOC107303340 (3p25 von Hippel-Lindau tumor suppressor, E3 ubiquitin protein ligase Alu-mediated recombination region; plus strand). Cytogenetic location: 3p25.3.
Variant type: single nucleotide variant.
Coding change: c.585G>C on transcript NM_000551.4 (MANE Select); coding-DNA position 585, G replaced by C.
Protein change: p.Gln195His; replaces glutamine 195 with histidine.
Molecular consequence: missense variant. On other transcripts: 3 prime UTR variant (1).
Genome position (GRCh38, 1-based): chr3:10,149,908, G>C. VCF-style: chr3-10149908-G-C. GRCh37 (hg19) VCF-style: chr3-10191592-G-C.
Other names: c.*139G>C (NM_001354723.2); c.462G>C, p.Gln154His (NM_198156.3); short protein forms Q195H, Q154H.
Identifiers: ClinVar variation 238112 (VCV000238112.12), dbSNP rs878854128, ClinGen allele CA10582118.

ClinVar aggregate classification (germline): Uncertain significance. Review status: criteria provided, multiple submitters, no conflicts (2 of 4 stars). 3 submissions from 3 submitters: Uncertain significance (3). Last evaluated 2025-12-17.

Conditions:
Von Hippel-Lindau syndrome (VHLS). Also called: Von Hippel-Lindau; VHL syndrome; von Hippel–Lindau syndrome. Identifiers: Orphanet 892, MedGen C0019562, MONDO:0008667, OMIM 193300. Disease mechanism: loss of function.
Chuvash polycythemia. Also called: POLYCYTHEMIA, VHL-DEPENDENT. Identifiers: Orphanet 238557, MedGen C1837915, MONDO:0009892, OMIM 263400.
Hereditary cancer-predisposing syndrome. Also called: Tumor predisposition; Hereditary neoplastic syndrome; Hereditary Cancer Syndrome; Neoplastic Syndromes, Hereditary. Identifiers: Orphanet 140162, MedGen C0027672, MeSH D009386, MONDO:0015356.

Allele frequency attached by ClinVar (database versions not stated): gnomAD exomes below 0.00001.
gnomAD v4.1: 6 of 1,614,214 alleles (0.00037%); highest among the groups gnomAD compares: South Asian, 0.0011%; no homozygotes.

Submissions (3):

Ambry Genetics
Classification: Uncertain significance for Hereditary cancer-predisposing syndrome. Last evaluated: 2025-12-17. Review status: criteria provided, single submitter. Criteria: Ambry Variant Classification Scheme 2023. Collection method: clinical testing. Allele origin: germline.
Comment: The p.Q195H variant (also known as c.585G>C), located in coding exon 3 of the VHL gene, results from a G to C substitution at nucleotide position 585. The glutamine at codon 195 is replaced by histidine, an amino acid with highly similar properties. This amino acid position is poorly conserved in available vertebrate species. In addition, the in silico prediction for this alteration is inconclusive. Since supporting evidence is limited at this time, the clinical significance of this alteration remains unclear.

Athena Diagnostics
Classification: Uncertain significance. Last evaluated: 2023-10-27. Review status: criteria provided, single submitter. Criteria: Athena Diagnostics Criteria. Collection method: clinical testing. Allele origin: unknown.

Labcorp Genetics (formerly Invitae), Labcorp
Classification: Uncertain significance for Von Hippel-Lindau syndrome; Chuvash polycythemia. Last evaluated: 2023-04-15. Review status: criteria provided, single submitter. Criteria: Invitae Variant Classification Sherloc (09022015). Collection method: clinical testing. Allele origin: germline.
Comment: In summary, the available evidence is currently insufficient to determine the role of this variant in disease. Therefore, it has been classified as a Variant of Uncertain Significance. Algorithms developed to predict the effect of missense changes on protein structure and function output the following: SIFT: "Not Available"; PolyPhen-2: "Benign"; Align-GVGD: "Not Available". The histidine amino acid residue is found in multiple mammalian species, which suggests that this missense change does not adversely affect protein function. ClinVar contains an entry for this variant (Variation ID: 238112). This variant has not been reported in the literature in individuals affected with VHL-related conditions. This variant is present in population databases (no rsID available, gnomAD 0.0009%). This sequence change replaces glutamine, which is neutral and polar, with histidine, which is basic and polar, at codon 195 of the VHL protein (p.Gln195His).